The following is an entry in ClinVar:

NM_152564.5(VPS13B):c.9289_9311del (p.Lys3097fs)

Gene: VPS13B (vacuolar protein sorting 13 homolog B; plus strand). Cytogenetic location: 8q22.2.
Variant type: Deletion.
Coding change: c.9289_9311del on transcript NM_152564.5 (MANE Select); coding-DNA positions 9289 to 9311, 23 bases deleted (AAACCACAGCTATCTGTCTGCAA).
Protein change: p.Lys3097fs; shifts the reading frame from lysine 3097.
Molecular consequence: frameshift variant.
Genome position (GRCh38, 1-based): chr8:99,823,937-99,823,959, AAACCACAGCTATCTGTCTGCAA deleted. VCF-style (leftmost placement, unchanged base first): chr8-99823936-TAAACCACAGCTATCTGTCTGCAA-T. GRCh37 (hg19) VCF-style: chr8-100836164-TAAACCACAGCTATCTGTCTGCAA-T.
Other names: c.9364_9386del, p.Lys3122fs (NM_017890.5); short protein forms K3122fs, K3097fs.
Identifiers: ClinVar variation 4720521 (VCV004720521.1).

ClinVar aggregate classification (germline): Pathogenic (1 of 4 stars; one submission).

Conditions:
Cohen syndrome (COH1). Also called: Cutis verticis gyrata, retinitis pigmentosa, and sensorineural deafness; PEPPER SYNDROME. Identifiers: Orphanet 193, MedGen C0265223, MONDO:0008999, OMIM 216550.

Submission:

Labcorp Genetics (formerly Invitae), Labcorp
Classification: Pathogenic for Cohen syndrome. Last evaluated: 2025-05-30. Review status: criteria provided, single submitter. Criteria: Invitae Variant Classification Sherloc (09022015). Collection method: clinical testing. Allele origin: germline.
Comment: This sequence change creates a premature translational stop signal (p.Lys3122Serfs*17) in the VPS13B gene. It is expected to result in an absent or disrupted protein product. Loss-of-function variants in VPS13B are known to be pathogenic (PMID: 15141358, 16648375, 20461111). This variant is not present in population databases (gnomAD no frequency). This variant has not been reported in the literature in individuals affected with VPS13B-related conditions. For these reasons, this variant has been classified as Pathogenic.

Literature cited by the submitters: PubMed 15141358; PubMed 16648375; PubMed 20461111.